The following is an entry in ClinVar:

ClinVar aggregate classification (germline): Uncertain significance (1 of 4 stars; one submission).

Submission:

GeneDx
Classification: Uncertain significance. Last evaluated: 2024-04-23. Review status: criteria provided, single submitter. Criteria: GeneDx Variant Classification Process June 2021. Collection method: clinical testing. Allele origin: germline. Affected: yes.
Comment: Not observed at significant frequency in large population cohorts (gnomAD); In silico analysis indicates that this missense variant does not alter protein structure/function; Has not been previously published as pathogenic or benign to our knowledge

NM_020719.3(PRR12):c.533C>G (p.Pro178Arg)

Gene: PRR12 (proline rich 12; plus strand). Cytogenetic location: 19q13.33.
Variant type: single nucleotide variant.
Coding change: c.533C>G on transcript NM_020719.3 (MANE Select); coding-DNA position 533, C replaced by G.
Protein change: p.Pro178Arg; replaces proline 178 with arginine.
Molecular consequence: missense variant.
Genome position (GRCh38, 1-based): chr19:49,594,868, C>G. VCF-style: chr19-49594868-C-G. GRCh37 (hg19) VCF-style: chr19-50098125-C-G.
Other names: short protein forms P178R.
Identifiers: ClinVar variation 3372894 (VCV003372894.1).